The following is an entry in ClinVar:

NC_000011.9:g.(?_63438742)_(63438807_?)del

Gene: ATL3 (atlastin GTPase 3; minus strand). Cytogenetic location: 11q13.1.
Variant type: Deletion.
Identifiers: ClinVar variation 1375815 (VCV001375815.5).

ClinVar aggregate classification (germline): Uncertain significance (1 of 4 stars; one submission).

Conditions:
Neuropathy, hereditary sensory, type 1F. Also called: HSN IF; Hereditary sensory neuropathy type IF. Identifiers: Orphanet 36386, MedGen C3810194, MONDO:0014286, OMIM 615632.

Submission:

Labcorp Genetics (formerly Invitae), Labcorp
Classification: Uncertain significance for Neuropathy, hereditary sensory, type 1F. Last evaluated: 2022-06-09. Review status: criteria provided, single submitter. Criteria: Invitae Variant Classification Sherloc (09022015). Collection method: clinical testing. Allele origin: germline.
Comment: In summary, the available evidence is currently insufficient to determine the role of this variant in disease. Therefore, it has been classified as a Variant of Uncertain Significance. Experimental studies and prediction algorithms are not available or were not evaluated, and the functional significance of this variant is currently unknown. This variant has not been reported in the literature in individuals affected with ATL3-related conditions. This variant is a gross deletion of the genomic region encompassing exon(s) 1 of the ATL3 gene, which includes the initiator codon. This deletion extends beyond the assayed region for this gene and therefore may encompass additional genes. It is expected to result in an absent or disrupted protein product. However, the current clinical and genetic evidence is not sufficient to establish whether loss-of-function variants in ATL3 cause disease.